The following is an entry in ClinVar:

NM_002528.7(NTHL1):c.785T>C (p.Leu262Pro)

Gene: NTHL1 (nth like DNA glycosylase 1; minus strand). Cytogenetic location: 16p13.3.
Variant type: single nucleotide variant.
Coding change: c.785T>C on transcript NM_002528.7 (MANE Select); coding-DNA position 785, T replaced by C.
Protein change: p.Leu262Pro; replaces leucine 262 with proline.
Molecular consequence: missense variant.
Genome position (GRCh38, 1-based): chr16:2,040,139, A>G on the plus strand (T>C on the coding strand, the complement: NTHL1 is on the minus strand). VCF-style: chr16-2040139-A-G. GRCh37 (hg19) VCF-style: chr16-2090140-A-G.
Other names: c.614T>C, p.Leu205Pro (NM_001318193.2); c.455T>C, p.Leu152Pro (NM_001318194.2); short protein forms L152P, L205P, L262P.
Identifiers: ClinVar variation 1009529 (VCV001009529.8), dbSNP rs1315020256, ClinGen allele CA394288633.

ClinVar aggregate classification (germline): Uncertain significance. Review status: criteria provided, multiple submitters, no conflicts (2 of 4 stars). 2 submissions from 2 submitters: Uncertain significance (2). Last evaluated 2024-03-26.

Conditions:
Familial adenomatous polyposis 3. Also called: NTHL1-related attenuated familial adenomatous polyposis; NTHL1 Tumor Syndrome; NTHL1-associated polyposis; NTHL1-Related Adenomatous Polyposis and Colorectal Cancer. Identifiers: Orphanet 220460, Orphanet 454840, MedGen C4225157, MONDO:0014630, OMIM 616415.

Allele frequency attached by ClinVar (database versions not stated): gnomAD exomes below 0.00001.
gnomAD v4.1: 1 of 1,613,732 alleles (0.000062%); highest among the groups gnomAD compares: Non-Finnish European, 0.000085%; no homozygotes.

Submissions (2):

Baylor Genetics
Classification: Uncertain significance for Familial adenomatous polyposis 3. Last evaluated: 2024-03-26. Review status: criteria provided, single submitter. Criteria: ACMG Guidelines, 2015. Collection method: clinical testing. Allele origin: unknown.

Labcorp Genetics (formerly Invitae), Labcorp
Classification: Uncertain significance. Last evaluated: 2021-03-14. Review status: criteria provided, single submitter. Criteria: Invitae Variant Classification Sherloc (09022015). Collection method: clinical testing. Allele origin: germline.
Comment: Algorithms developed to predict the effect of missense changes on protein structure and function are either unavailable or do not agree on the potential impact of this missense change (SIFT: "Not Available"; PolyPhen-2: "Probably Damaging"; Align-GVGD: "Not Available"). In summary, the available evidence is currently insufficient to determine the role of this variant in disease. Therefore, it has been classified as a Variant of Uncertain Significance. This variant has not been reported in the literature in individuals with NTHL1-related conditions. This sequence change replaces leucine with proline at codon 270 of the NTHL1 protein (p.Leu270Pro). The leucine residue is highly conserved and there is a moderate physicochemical difference between leucine and proline. This variant is not present in population databases (ExAC no frequency).